The following is an entry in ClinVar:

ClinVar aggregate classification (germline): Uncertain significance. Review status: criteria provided, multiple submitters, no conflicts (2 of 4 stars). 2 submissions from 2 submitters: Uncertain significance (2). Last evaluated 2025-04-02.

Allele frequency attached by ClinVar (database versions not stated): gnomAD exomes 0.00001 and 0.00002; gnomAD 0.00003; TOPMed 0.00005; ExAC 0.00006; ESP Exome Variant Server 0.00016.
gnomAD v4.1: 16 of 1,550,316 alleles (0.001%); highest among the groups gnomAD compares: African/African-American, 0.016%; no homozygotes.

Submissions (2):

Labcorp Genetics (formerly Invitae), Labcorp
Classification: Uncertain significance. Last evaluated: 2025-04-02. Review status: criteria provided, single submitter. Criteria: Invitae Variant Classification Sherloc (09022015). Collection method: clinical testing. Allele origin: germline.
Comment: This sequence change replaces glycine, which is neutral and non-polar, with serine, which is neutral and polar, at codon 112 of the BEST1 protein (p.Gly112Ser). This variant is present in population databases (rs370284244, gnomAD 0.03%). This variant has not been reported in the literature in individuals affected with BEST1-related conditions. ClinVar contains an entry for this variant (Variation ID: 1484125). An algorithm developed to predict the effect of missense changes on protein structure and function outputs the following: PolyPhen-2: "Benign". The serine amino acid residue is found in multiple mammalian species, which suggests that this missense change does not adversely affect protein function. In summary, the available evidence is currently insufficient to determine the role of this variant in disease. Therefore, it has been classified as a Variant of Uncertain Significance.

Blueprint Genetics
Classification: Uncertain significance. Last evaluated: 2024-03-09. Review status: criteria provided, single submitter. Criteria: ACMG Guidelines, 2015. Collection method: clinical testing. Allele origin: germline.

NM_004183.4(BEST1):c.334G>A (p.Gly112Ser)

Gene: BEST1 (bestrophin 1; plus strand). Cytogenetic location: 11q12.3.
Variant type: single nucleotide variant.
Coding change: c.334G>A on transcript NM_004183.4 (MANE Select); coding-DNA position 334, G replaced by A.
Protein change: p.Gly112Ser; replaces glycine 112 with serine.
Molecular consequence: missense variant. On other transcripts: non-coding transcript variant (1).
Genome position (GRCh38, 1-based): chr11:61,955,804, G>A. VCF-style: chr11-61955804-G-A. GRCh37 (hg19) VCF-style: chr11-61723276-G-A.
Other names: c.154G>A, p.Gly52Ser (NM_001139443.3, NM_001300786.2, NM_001300787.2); c.16G>A, p.Gly6Ser (NM_001363591.3); c.334G>A, p.Gly112Ser (NM_001363592.2); c.-842G>A (NM_001363593.3); short protein forms G112S, G52S, G6S.
Identifiers: ClinVar variation 1484125 (VCV001484125.9), dbSNP rs370284244, ClinGen allele CA6040743.
Genomic context (GRCh38, chr11:61,955,804, plus strand): 5'-CGCTGGTGGAACCAGTACGAGAACCTGCCGTGGCCCGACCGCCTCATGAGCCTGGTGTCG[G>A]GCTTCGTCGAAGGCAAGGACGAGCAAGGCCGGCTGCTGCGGCGCACGCTCATCCGCTACG-3'
Protein context (NP_004174.1, residues 102-122): WPDRLMSLVS[Gly112Ser]FVEGKDEQGR